The following is an entry in ClinVar:

ClinVar aggregate classification (germline): Uncertain significance (0 of 4 stars; one submission).

Conditions:
VPS13B-related disorder. Also called: VPS13B-related condition.

gnomAD v4.1: 4 of 1,614,204 alleles (0.00025%); highest among the groups gnomAD compares: Non-Finnish European, 0.00025%; no homozygotes.

Submission:

PreventionGenetics, part of Exact Sciences
Classification: Uncertain significance for VPS13B-related condition. Last evaluated: 2024-06-05. Review status: no assertion criteria provided. Collection method: clinical testing. Allele origin: germline.
Comment: The VPS13B c.25A>G variant is predicted to result in the amino acid substitution p.Ile9Val. To our knowledge, this variant has not been reported in the literature. This variant is reported in 0.00088% of alleles in individuals of European (Non-Finnish) descent in gnomAD. At this time, the clinical significance of this variant is uncertain due to the absence of conclusive functional and genetic evidence.

NM_152564.5(VPS13B):c.25A>G (p.Ile9Val)

Gene: VPS13B (vacuolar protein sorting 13 homolog B; plus strand). Cytogenetic location: 8q22.2.
Variant type: single nucleotide variant.
Coding change: c.25A>G on transcript NM_152564.5 (MANE Select); coding-DNA position 25, A replaced by G.
Protein change: p.Ile9Val; replaces isoleucine 9 with valine.
Molecular consequence: missense variant. On other transcripts: non-coding transcript variant (1).
Genome position (GRCh38, 1-based): chr8:99,013,813, A>G. VCF-style: chr8-99013813-A-G. GRCh37 (hg19) VCF-style: chr8-100026041-A-G.
Other names: c.25A>G, p.Ile9Val (NM_015243.3, NM_017890.5, NM_181661.3); short protein forms I9V.
Identifiers: ClinVar variation 3348257 (VCV003348257.1).
Genomic context (GRCh38, chr8:99,013,813, plus strand): 5'-CTTTCAGCTTCCGACTTCGACTCCTTACCTTAAAAGATGCTGGAGTCATATGTAACTCCA[A>G]TTTTAATGAGCTATGTGAATCGCTACATCAAGAACTTAAAGCCGTCGGATCTACAGCTTT-3'
Protein context (NP_689777.3, residues 1-19): MLESYVTP[Ile9Val]LMSYVNRYIK